The following is an entry in ClinVar:

NM_001466.4(FZD2):c.1390G>A (p.Val464Ile)

Gene: FZD2 (frizzled class receptor 2; plus strand). Cytogenetic location: 17q21.31.
Variant type: single nucleotide variant.
Coding change: c.1390G>A on transcript NM_001466.4 (MANE Select); coding-DNA position 1390, G replaced by A.
Protein change: p.Val464Ile; replaces valine 464 with isoleucine.
Molecular consequence: missense variant.
Genome position (GRCh38, 1-based): chr17:44,559,078, G>A. VCF-style: chr17-44559078-G-A. GRCh37 (hg19) VCF-style: chr17-42636446-G-A.
Other names: short protein forms V464I.
Identifiers: ClinVar variation 2227443 (VCV002227443.5), dbSNP rs748501689, ClinGen allele CA8604782.

ClinVar aggregate classification (germline): Uncertain significance. Review status: criteria provided, multiple submitters, no conflicts (2 of 4 stars). 2 submissions from 2 submitters: Uncertain significance (2). Last evaluated 2023-11-27.

Allele frequency attached by ClinVar (database versions not stated): ExAC 0.00001; gnomAD 0.00001; gnomAD exomes 0.00001.

Submissions (2):

Labcorp Genetics (formerly Invitae), Labcorp
Classification: Uncertain significance. Last evaluated: 2023-11-27. Review status: criteria provided, single submitter. Criteria: Invitae Variant Classification Sherloc (09022015). Collection method: clinical testing. Allele origin: germline.
Comment: This sequence change replaces valine, which is neutral and non-polar, with isoleucine, which is neutral and non-polar, at codon 464 of the FZD2 protein (p.Val464Ile). This variant is present in population databases (rs748501689, gnomAD 0.02%). This variant has not been reported in the literature in individuals affected with FZD2-related conditions. ClinVar contains an entry for this variant (Variation ID: 2227443). Advanced modeling of protein sequence and biophysical properties (such as structural, functional, and spatial information, amino acid conservation, physicochemical variation, residue mobility, and thermodynamic stability) performed at Invitae indicates that this missense variant is not expected to disrupt FZD2 protein function with a negative predictive value of 80%. In summary, the available evidence is currently insufficient to determine the role of this variant in disease. Therefore, it has been classified as a Variant of Uncertain Significance.

Ambry Genetics
Classification: Uncertain significance. Last evaluated: 2021-07-06. Review status: criteria provided, single submitter. Criteria: Ambry Variant Classification Scheme 2023. Collection method: clinical testing. Allele origin: germline.